The following is an entry in ClinVar:

NM_001199799.2(ILDR1):c.1184T>C (p.Leu395Ser)

Gene: ILDR1 (immunoglobulin like domain containing receptor 1; minus strand). Cytogenetic location: 3q13.33.
Variant type: single nucleotide variant.
Coding change: c.1184T>C on transcript NM_001199799.2 (MANE Select); coding-DNA position 1184, T replaced by C.
Protein change: p.Leu395Ser; replaces leucine 395 with serine.
Molecular consequence: missense variant.
Genome position (GRCh38, 1-based): chr3:121,993,565, A>G on the plus strand (T>C on the coding strand, the complement: ILDR1 is on the minus strand). VCF-style: chr3-121993565-A-G. GRCh37 (hg19) VCF-style: chr3-121712412-A-G.
Other names: c.917T>C, p.Leu306Ser (NM_001199800.2); c.1052T>C, p.Leu351Ser (NM_175924.4); short protein forms L306S, L351S, L395S.
Identifiers: ClinVar variation 1191623 (VCV001191623.13), dbSNP rs143311654, ClinGen allele CA2568745.

ClinVar aggregate classification (germline): Uncertain significance. Review status: criteria provided, multiple submitters, no conflicts (2 of 4 stars). 6 submissions from 6 submitters: Uncertain significance (6). Last evaluated 2025-03-24.

Conditions:
Inborn genetic diseases. Identifiers: MedGen C0950123, MeSH D030342.
ILDR1-related disorder. Also called: ILDR1-related condition.
Autosomal recessive nonsyndromic hearing loss 42. Identifiers: Orphanet 90636, MedGen C1864818, MONDO:0012326, OMIM 609646.

Allele frequency attached by ClinVar (database versions not stated): ExAC 0.00023; gnomAD exomes 0.00026 and 0.00058; TOPMed 0.00032; gnomAD 0.00036 and 0.00037; ESP Exome Variant Server 0.00038.
gnomAD v4.1: 881 of 1,614,076 alleles (0.055%); highest among the groups gnomAD compares: Non-Finnish European, 0.072%; no homozygotes.

Submissions (6):

PreventionGenetics, part of Exact Sciences
Classification: Uncertain significance for ILDR1-related condition. Last evaluated: 2025-03-24. Review status: criteria provided, single submitter. Criteria: ACMG Guidelines, 2015. Collection method: clinical testing. Allele origin: germline.
Comment: The ILDR1 c.1184T>C variant is predicted to result in the amino acid substitution p.Leu395Ser. To our knowledge, this variant has not been reported in the literature. This variant is reported in 0.057% of alleles in individuals of European (Non-Finnish) descent in gnomAD. Although we suspect that this variant may be benign, at this time, the clinical significance of this variant is uncertain due to the absence of conclusive functional and genetic evidence.

GeneDx
Classification: Uncertain significance. Last evaluated: 2024-11-12. Review status: criteria provided, single submitter. Criteria: GeneDx Variant Classification Process June 2021. Collection method: clinical testing. Allele origin: germline. Affected: yes.
Comment: In silico analysis indicates that this missense variant does not alter protein structure/function; Has not been previously published as pathogenic or benign to our knowledge

Blueprint Genetics
Classification: Uncertain significance. Last evaluated: 2024-10-15. Review status: criteria provided, single submitter. Criteria: ACMG Guidelines, 2015. Collection method: clinical testing. Allele origin: germline.

Labcorp Genetics (formerly Invitae), Labcorp
Classification: Uncertain significance. Last evaluated: 2023-10-13. Review status: criteria provided, single submitter. Criteria: Invitae Variant Classification Sherloc (09022015). Collection method: clinical testing. Allele origin: germline.
Comment: This sequence change replaces leucine, which is neutral and non-polar, with serine, which is neutral and polar, at codon 395 of the ILDR1 protein (p.Leu395Ser). This variant is present in population databases (rs143311654, gnomAD 0.06%). This variant has not been reported in the literature in individuals affected with ILDR1-related conditions. ClinVar contains an entry for this variant (Variation ID: 1191623). An algorithm developed to predict the effect of missense changes on protein structure and function (PolyPhen-2) suggests that this variant is likely to be disruptive. In summary, the available evidence is currently insufficient to determine the role of this variant in disease. Therefore, it has been classified as a Variant of Uncertain Significance.

Fulgent Genetics
Classification: Uncertain significance for Autosomal recessive nonsyndromic hearing loss 42. Last evaluated: 2022-01-03. Review status: criteria provided, single submitter. Criteria: ACMG Guidelines, 2015. Collection method: clinical testing. Allele origin: unknown.

Ambry Genetics
Classification: Uncertain significance for Inborn genetic diseases. Last evaluated: 2021-07-21. Review status: criteria provided, single submitter. Criteria: Ambry Variant Classification Scheme 2023. Collection method: clinical testing. Allele origin: germline.